The following is an entry in ClinVar:

ClinVar aggregate classification (germline): Pathogenic (1 of 4 stars; one submission).

Conditions:
Severe X-linked myotubular myopathy (CNMX). Also called: MYOTUBULAR MYOPATHY 1; Myotubular myopathy, X-linked; X-linked centronuclear myopathy. Identifiers: Orphanet 596, MedGen C0410203, MONDO:0010683, OMIM 310400.

Submission:

Labcorp Genetics (formerly Invitae), Labcorp
Classification: Pathogenic for Severe X-linked myotubular myopathy. Last evaluated: 2020-11-27. Review status: criteria provided, single submitter. Criteria: Invitae Variant Classification Sherloc (09022015). Collection method: clinical testing. Allele origin: germline.
Comment: For these reasons, this variant has been classified as Pathogenic. This variant has not been reported in the literature in individuals with MTM1-related conditions. This variant is not present in population databases (ExAC no frequency). This sequence change creates a premature translational stop signal (p.Leu274Hisfs*11) in the MTM1 gene. It is expected to result in an absent or disrupted protein product. Loss-of-function variants in MTM1 are known to be pathogenic (PMID: 9305655, 10063835).

Literature cited by the submitters: PubMed 9305655; PubMed 10063835.

NM_000252.3(MTM1):c.819_820dup (p.Leu274fs)

Gene: MTM1 (myotubularin 1; plus strand). Cytogenetic location: Xq28.
Variant type: Duplication.
Coding change: c.819_820dup on transcript NM_000252.3 (MANE Select); coding-DNA positions 819 to 820, 2 bases duplicated (AC; older notation c.819_820dupAC).
Protein change: p.Leu274fs; shifts the reading frame from leucine 274.
Molecular consequence: frameshift variant.
Genome position (GRCh38, 1-based): chrX:150,645,823-150,645,824, AC duplicated. VCF-style (leftmost placement, unchanged base first): chrX-150645822-A-AAC. GRCh37 (hg19) VCF-style: chrX-149814295-A-AAC.
Other names: c.819_820dup, p.Leu274fs (NM_001376906.1, NM_001376908.1); c.708_709dup, p.Leu237fs (NM_001376907.1); short protein forms L237fs, L274fs.
Identifiers: ClinVar variation 1371544 (VCV001371544.6), dbSNP rs2148493304, ClinGen allele CA2573159348.